The following is an entry in ClinVar:

NM_052963.3(TOP1MT):c.955G>C (p.Asp319His)

Gene: TOP1MT (DNA topoisomerase I mitochondrial; minus strand). Cytogenetic location: 8q24.3.
Variant type: single nucleotide variant.
Coding change: c.955G>C on transcript NM_052963.3 (MANE Select); coding-DNA position 955, G replaced by C.
Protein change: p.Asp319His; replaces aspartic acid 319 with histidine.
Molecular consequence: missense variant.
Genome position (GRCh38, 1-based): chr8:143,324,004, C>G on the plus strand (G>C on the coding strand, the complement: TOP1MT is on the minus strand). VCF-style: chr8-143324004-C-G. GRCh37 (hg19) VCF-style: chr8-144406174-C-G.
Other names: c.661G>C, p.Asp221His (NM_001258446.1, NM_001258447.1); short protein forms D221H, D319H.
Identifiers: ClinVar variation 1365042 (VCV001365042.6), dbSNP rs143769145, ClinGen allele CA4908620.

ClinVar aggregate classification (germline): Uncertain significance (1 of 4 stars; one submission).

Allele frequency attached by ClinVar (database versions not stated): 1000 Genomes Project 0.00359; 1000 Genomes Project 30x 0.00359; ESP Exome Variant Server 0.00408.
gnomAD v4.1: 1,317 of 1,613,714 alleles (0.082%); highest among the groups gnomAD compares: African/African-American, 1%; 3 homozygotes.

Submission:

Labcorp Genetics (formerly Invitae), Labcorp
Classification: Uncertain significance. Last evaluated: 2026-01-16. Review status: criteria provided, single submitter. Criteria: Invitae Variant Classification Sherloc (09022015). Collection method: clinical testing. Allele origin: germline.
Comment: This sequence change replaces aspartic acid, which is acidic and polar, with histidine, which is basic and polar, at codon 319 of the TOP1MT protein (p.Asp319His). This variant is present in population databases (rs143769145, gnomAD 1.1%), and has an allele count higher than expected for a pathogenic variant. This missense change has been observed in individual(s) with CAKUT (PMID: 30143558). ClinVar contains an entry for this variant (Variation ID: 1365042). Invitae Evidence Modeling of protein sequence and biophysical properties (such as structural, functional, and spatial information, amino acid conservation, physicochemical variation, residue mobility, and thermodynamic stability) indicates that this missense variant is expected to disrupt TOP1MT protein function with a positive predictive value of 80%. In summary, the available evidence is currently insufficient to determine the role of this variant in disease. Therefore, it has been classified as a Variant of Uncertain Significance.

Literature cited by the submitters: PubMed 30143558.